The following is an entry in ClinVar:

ClinVar aggregate classification (germline): Likely benign (1 of 4 stars; one submission).

gnomAD v4.1: 7,950 of 1,535,256 alleles (0.52%); highest among the groups gnomAD compares: Non-Finnish European, 0.61%; 37 homozygotes.

Submission:

GeneDx
Classification: Likely benign. Last evaluated: 2018-07-14. Review status: criteria provided, single submitter. Criteria: GeneDx Variant Classification Process June 2021. Collection method: clinical testing. Allele origin: germline. Affected: yes.
Comment: See Variant Classification Assertion Criteria.

NM_145038.5(DRC1):c.2167-88C>T

Gene: DRC1 (dynein regulatory complex subunit 1; plus strand). Cytogenetic location: 2p23.3.
Variant type: single nucleotide variant.
Coding change: c.2167-88C>T on transcript NM_145038.5 (MANE Select); 88 bases into the intron before coding-DNA position 2167, C replaced by T.
Molecular consequence: intron variant.
Genome position (GRCh38, 1-based): chr2:26,456,373, C>T. VCF-style: chr2-26456373-C-T. GRCh37 (hg19) VCF-style: chr2-26679241-C-T.
Identifiers: ClinVar variation 4813924 (VCV004813924.1).